The following is an entry in ClinVar:

NM_001457.4(FLNB):c.2130G>C (p.Pro710=)

Gene: FLNB (filamin B; plus strand). Cytogenetic location: 3p14.3.
Variant type: single nucleotide variant.
Coding change: c.2130G>C on transcript NM_001457.4 (MANE Select); coding-DNA position 2130, G replaced by C.
Protein change: p.Pro710=; no amino-acid change (proline 710 retained).
Molecular consequence: synonymous variant.
Genome position (GRCh38, 1-based): chr3:58,109,253, G>C. VCF-style: chr3-58109253-G-C. GRCh37 (hg19) VCF-style: chr3-58094980-G-C.
Other names: c.2130G>C, p.Pro710= (NM_001164317.2, NM_001164318.2, NM_001164319.2).
Identifiers: ClinVar variation 903076 (VCV000903076.13), dbSNP rs371850879, ClinGen allele CA2468032.

ClinVar aggregate classification (germline): Conflicting classifications of pathogenicity. Review status: criteria provided, conflicting classifications (1 of 4 stars). 3 submissions from 3 submitters: Uncertain significance (1); Likely benign (1). 1 of the submissions does not count toward it. Last evaluated 2026-01-24.

Conditions:
FLNB-related disorder. Also called: FLNB-related disorders; FLNB-related condition. Identifiers: MedGen CN381095.
FLNB-Related Spectrum Disorders.

Allele frequency attached by ClinVar (database versions not stated): ESP Exome Variant Server 0.00008; TOPMed 0.00003.
gnomAD v4.1: 74 of 1,614,074 alleles (0.0046%); highest among the groups gnomAD compares: Middle Eastern, 0.12%; 1 homozygote.

Submissions (3):

Labcorp Genetics (formerly Invitae), Labcorp
Classification: Likely benign. Last evaluated: 2026-01-24. Review status: criteria provided, single submitter. Criteria: Invitae Variant Classification Sherloc (09022015). Collection method: clinical testing. Allele origin: germline.

Illumina Laboratory Services, Illumina
Classification: Uncertain significance for FLNB-Related Spectrum Disorders. Last evaluated: 2018-01-13. Review status: criteria provided, single submitter. Criteria: ICSL Variant Classification Criteria 13 December 2019. Collection method: clinical testing. Allele origin: germline.

PreventionGenetics, part of Exact Sciences
Classification: Likely benign for FLNB-related condition. Last evaluated: 2023-02-08. Review status: no assertion criteria provided. Collection method: clinical testing. Allele origin: germline. Not counted in ClinVar's aggregate classification.
Comment: This variant is classified as likely benign based on ACMG/AMP sequence variant interpretation guidelines (Richards et al. 2015 PMID: 25741868, with internal and published modifications).